The following is an entry in ClinVar:

NM_000498.3(CYP11B2):c.1016T>A (p.Ile339Asn)

Genes: CYP11B2 (cytochrome P450 family 11 subfamily B member 2; minus strand), LOC106799834 (CYP11B2 recombination region; plus strand). Cytogenetic location: 8q24.3.
Variant type: single nucleotide variant.
Coding change: c.1016T>A on transcript NM_000498.3 (MANE Select); coding-DNA position 1016, T replaced by A.
Protein change: p.Ile339Asn; replaces isoleucine 339 with asparagine.
Molecular consequence: missense variant.
Genome position (GRCh38, 1-based): chr8:142,913,390, A>T on the plus strand (T>A on the coding strand, the complement: CYP11B2 is on the minus strand). VCF-style: chr8-142913390-A-T. GRCh37 (hg19) VCF-style: chr8-143994806-A-T.
Other names: short protein forms I339N.
Identifiers: ClinVar variation 362202 (VCV000362202.15), dbSNP rs4544, ClinGen allele CA4905968.

ClinVar aggregate classification (germline): Benign. Review status: criteria provided, multiple submitters, no conflicts (2 of 4 stars). 5 submissions from 3 submitters: Benign (5). Last evaluated 2026-01-26.

Conditions:
Corticosterone 18-monooxygenase deficiency. Also called: ALDOSTERONE DEFICIENCY DUE TO DEFECT IN STEROID 18-HYDROXYLASE; ALDOSTERONE DEFICIENCY I; CMO I DEFICIENCY; STEROID 18-HYDROXYLASE DEFICIENCY; 18 Hydroxylase deficiency; Aldosterone deficiency due to defect in 18 hydroxylase. Identifiers: Orphanet 427, MedGen C0268293, MONDO:0008751, OMIM 203400. Disease mechanism: loss of function.
Corticosterone methyloxidase type 2 deficiency. Also called: 18-OXIDASE DEFICIENCY; ALDOSTERONE DEFICIENCY DUE TO DEFICIENCY OF STEROID 18-OXIDASE; ALDOSTERONE DEFICIENCY II; CMO II DEFICIENCY; STEROID 18-OXIDASE DEFICIENCY. Identifiers: Orphanet 427, MedGen C3463917, MONDO:0012524, OMIM 610600. Disease mechanism: loss of function.
Glucocorticoid-remediable aldosteronism. Also called: Hyperaldosteronism, familial, type I; ACTH-DEPENDENT HYPERALDOSTERONISM SYNDROME; ALDOSTERONISM, SENSITIVE TO DEXAMETHASONE; FH I; GLUCOCORTICOID-SUPPRESSIBLE HYPERALDOSTERONISM. Identifiers: Orphanet 403, MedGen C3838731, MONDO:0007080, OMIM 103900.

Allele frequency attached by ClinVar (database versions not stated): 1000 Genomes Project 30x 0.00437; 1000 Genomes Project 0.00539.
gnomAD v4.1: 2,507 of 1,613,796 alleles (0.16%); highest among the groups gnomAD compares: South Asian, 2.1%; 31 homozygotes.

Submissions (5):

Labcorp Genetics (formerly Invitae), Labcorp
Classification: Benign. Last evaluated: 2026-01-26. Review status: criteria provided, single submitter. Criteria: Invitae Variant Classification Sherloc (09022015). Collection method: clinical testing. Allele origin: germline.

Illumina Laboratory Services, Illumina
Classification: Benign for Hyperaldosteronism, familial, type I. Last evaluated: 2018-01-13. Review status: criteria provided, single submitter. Criteria: ICSL Variant Classification Criteria 13 December 2019. Collection method: clinical testing. Allele origin: germline.
Comment: This variant was observed in the ICSL laboratory as part of a predisposition screen in an ostensibly healthy population. It had not been previously curated by ICSL or reported in the Human Gene Mutation Database (HGMD: prior to June 1st, 2018), and was therefore a candidate for classification through an automated scoring system. Utilizing variant allele frequency, disease prevalence and penetrance estimates, and inheritance mode, an automated score was calculated to assess if this variant is too frequent to cause the disease. Based on the score and internal cut-off values, a variant classified as benign is not then subjected to further curation. The score for this variant resulted in a classification of benign for this disease.

Illumina Laboratory Services, Illumina
Classification: Benign for Corticosterone 18-monooxygenase deficiency. Last evaluated: 2018-01-13. Review status: criteria provided, single submitter. Criteria: ICSL Variant Classification Criteria 13 December 2019. Collection method: clinical testing. Allele origin: germline.
Comment: the same text as in the submission from Illumina Laboratory Services, Illumina above.

Illumina Laboratory Services, Illumina
Classification: Benign for Corticosterone methyloxidase type 2 deficiency. Last evaluated: 2018-01-13. Review status: criteria provided, single submitter. Criteria: ICSL Variant Classification Criteria 13 December 2019. Collection method: clinical testing. Allele origin: germline.
Comment: the same text as in the submission from Illumina Laboratory Services, Illumina above.

Breakthrough Genomics
Classification: Benign. Review status: criteria provided, single submitter. Criteria: ACMG Guidelines, 2015. Collection method: not provided. Allele origin: germline. Inheritance: Autosomal recessive inheritance. Affected: yes.